The following is an entry in ClinVar:

NM_001350451.2(RBFOX3):c.54C>G (p.Ile18Met)

Gene: RBFOX3 (RNA binding fox-1 homolog 3; minus strand). Cytogenetic location: 17q25.3.
Variant type: single nucleotide variant.
Coding change: c.54C>G on transcript NM_001350451.2 (MANE Select); coding-DNA position 54, C replaced by G.
Protein change: p.Ile18Met; replaces isoleucine 18 with methionine.
Molecular consequence: missense variant.
Genome position (GRCh38, 1-based): chr17:79,115,662, G>C on the plus strand (C>G on the coding strand, the complement: RBFOX3 is on the minus strand). VCF-style: chr17-79115662-G-C. GRCh37 (hg19) VCF-style: chr17-77111744-G-C.
Other names: c.54C>G, p.Ile18Met (NM_001082575.3, NM_001350453.2, NM_001385804.1 and 43 more transcripts); short protein forms I18M.
Identifiers: ClinVar variation 838699 (VCV000838699.10), dbSNP rs2033713868, ClinGen allele CA401318191.

ClinVar aggregate classification (germline): Uncertain significance (1 of 4 stars; one submission).

Conditions:
Idiopathic generalized epilepsy. Also called: Generalised epilepsy; EIG. Identifiers: MedGen C0270850, MONDO:0005579, OMIM 600669.

Submission:

Labcorp Genetics (formerly Invitae), Labcorp
Classification: Uncertain significance for Idiopathic generalized epilepsy. Last evaluated: 2019-12-19. Review status: criteria provided, single submitter. Criteria: Invitae Variant Classification Sherloc (09022015). Collection method: clinical testing. Allele origin: germline.
Comment: Algorithms developed to predict the effect of missense changes on protein structure and function are either unavailable or do not agree on the potential impact of this missense change (SIFT: "Tolerated"; PolyPhen-2: "Possibly Damaging"; Align-GVGD: "Class C0"). In summary, the available evidence is currently insufficient to determine the role of this variant in disease. Therefore, it has been classified as a Variant of Uncertain Significance. This variant has not been reported in the literature in individuals with RBFOX3-related conditions. This sequence change replaces isoleucine with methionine at codon 18 of the RBFOX3 protein (p.Ile18Met). The isoleucine residue is moderately conserved and there is a small physicochemical difference between isoleucine and methionine. The frequency data for this variant in the population databases is considered unreliable, as metrics indicate insufficient coverage at this position in the ExAC database.